The following is an entry in ClinVar:

ClinVar aggregate classification (germline): Uncertain significance (1 of 4 stars; one submission).

Conditions:
Dilated cardiomyopathy 1G (CMD1G). Identifiers: Orphanet 154, MedGen C1858763, MONDO:0011400, OMIM 604145.
Autosomal recessive limb-girdle muscular dystrophy type 2J (LGMDR10). Also called: MUSCULAR DYSTROPHY, LIMB-GIRDLE, AUTOSOMAL RECESSIVE 10; Limb-girdle muscular dystrophy, type 2J. Identifiers: Orphanet 140922, MedGen C1837342, MONDO:0012127, OMIM 608807.

Submission:

Labcorp Genetics (formerly Invitae), Labcorp
Classification: Uncertain significance for Dilated cardiomyopathy 1G; Autosomal recessive limb-girdle muscular dystrophy type 2J. Last evaluated: 2022-04-30. Review status: criteria provided, single submitter. Criteria: Invitae Variant Classification Sherloc (09022015). Collection method: clinical testing. Allele origin: germline.
Comment: This variant is a gross deletion of the genomic region encompassing exon(s) 47-145 of the TTN gene. This variant would be expected to be in-frame, preserving the integrity of the reading frame. This variant has not been reported in the literature in individuals affected with TTN-related conditions. Experimental studies and prediction algorithms are not available or were not evaluated, and the functional significance of this variant is currently unknown. This variant disrupts the I band(s) of TTN (PMID: 25589632). Copy number variants in TTN have been previously reported in individuals affected with neuromuscular disorders (PMID: 29792937, 30238059), but the functional significance of this variant is currently unknown In summary, the available evidence is currently insufficient to determine the role of this variant in disease. Therefore, it has been classified as a Variant of Uncertain Significance.

Literature cited by the submitters: PubMed 25589632; PubMed 29792937; PubMed 30238059.

NC_000002.11:g.(?_179542832)_(179617927_?)del

Gene: TTN (titin; minus strand). Cytogenetic location: 2q31.2.
Variant type: Deletion.
Identifiers: ClinVar variation 2424040 (VCV002424040.3).